The following is an entry in ClinVar:

ClinVar aggregate classification (germline): Uncertain significance (1 of 4 stars; one submission).

Conditions:
Cortical dysplasia-focal epilepsy syndrome (PTHSL1). Also called: Pitt-Hopkins-like syndrome 1. Identifiers: Orphanet 163681, Orphanet 221150, MedGen C2750246, MONDO:0012400, OMIM 610042.

Submission:

St. Anna Children's Cancer Research Institute (CCRI)
Classification: Uncertain significance for Cortical dysplasia-focal epilepsy syndrome. Last evaluated: 2023-02-08. Review status: criteria provided, single submitter. Criteria: ACMG Guidelines, 2015. Collection method: research. Allele origin: biparental. Inheritance: Autosomal recessive inheritance. Affected: yes. Observed: 1 compound heterozygote.
Comment: ACMG classification of pathogenicity score: 1,15

GRCh38/hg38 7q35(chr7:147977862-147977989)x1

Gene: CNTNAP2 (contactin associated protein 2; plus strand). Cytogenetic location: 7q35.
Variant type: copy number loss.
Change: copy number 1 (one copy instead of two) of chr7:147,977,862-147,977,989 (0.1 kb, GRCh38 coordinates, 1-based), cytogenetic band 7q35.
Identifiers: ClinVar variation 2429341 (VCV002429341.4).